The following is an entry in ClinVar:

ClinVar aggregate classification (germline): Likely pathogenic (1 of 4 stars; one submission).

Conditions:
Neurofibromatosis, type 1 (NF1). Also called: VON RECKLINGHAUSEN DISEASE; NEUROFIBROMATOSIS, TYPE I, SOMATIC; Peripheral type neurofibromatosis; Neurofibromatosis, type I. Identifiers: Orphanet 636, MedGen C0027831, MONDO:0018975, OMIM 162200. Disease mechanism: loss of function.

Submission:

MVZ Martinsried, Medicover Genetics
Classification: Likely pathogenic for Neurofibromatosis, type 1. Last evaluated: 2026-03-23. Review status: criteria provided, single submitter. Criteria: ClinGen Variant Curation SOP V3.2 + Classification Guidance July2025. Collection method: clinical testing. Allele origin: unknown. Observed: 1 mosaic individual.
Comment: PVS1, PM2_Supporting

NM_001042492.3(NF1):c.4200del (p.Asn1400fs)

Gene: NF1 (neurofibromin 1; plus strand). Cytogenetic location: 17q11.2.
Variant type: Deletion.
Coding change: c.4200del on transcript NM_001042492.3 (MANE Select); coding-DNA position 4200, one base deleted (C; older notation c.4200delC).
Protein change: p.Asn1400fs; shifts the reading frame from asparagine 1400.
Molecular consequence: frameshift variant.
Genome position (GRCh38, 1-based): chr17:31,258,370, C deleted. VCF-style (leftmost placement, unchanged base first): chr17-31258369-AC-A. GRCh37 (hg19) VCF-style: chr17-29585387-AC-A.
Other names: c.4137delC, p.Asn1379Lysfs (NM_000267.3); c.4137del, p.Asn1379fs (NM_000267.4); short protein forms N1379fs, N1400fs.
Identifiers: ClinVar variation 5043476 (VCV005043476.1).